The following is an entry in ClinVar:

NM_001282225.2(ADA2):c.25C>T (p.Arg9Trp)

Gene: ADA2 (adenosine deaminase 2; minus strand). Cytogenetic location: 22q11.1.
Variant type: single nucleotide variant.
Coding change: c.25C>T on transcript NM_001282225.2 (MANE Select); coding-DNA position 25, C replaced by T.
Protein change: p.Arg9Trp; replaces arginine 9 with tryptophan.
Molecular consequence: missense variant. On other transcripts: intron variant (3).
Genome position (GRCh38, 1-based): chr22:17,209,653, G>A on the plus strand (C>T on the coding strand, the complement: ADA2 is on the minus strand). VCF-style: chr22-17209653-G-A. GRCh37 (hg19) VCF-style: chr22-17690543-G-A.
Other names: c.25C>T, p.Arg9Trp (NM_001282226.2); c.-47-55C>T (NM_001282227.2, NM_001282228.2); c.-38-2363C>T (NM_001282229.2); short protein forms R9W.
Identifiers: ClinVar variation 1442516 (VCV001442516.6), dbSNP rs753994372, ClinGen allele CA10088357.

ClinVar aggregate classification (germline): Conflicting classifications of pathogenicity. Review status: criteria provided, conflicting classifications (1 of 4 stars). 2 submissions from 2 submitters: Likely pathogenic (1); Uncertain significance (1). Last evaluated 2026-01-04.

Conditions:
Sneddon syndrome (SNDNS). Also called: LIVEDO RETICULARIS AND CEREBROVASCULAR ACCIDENTS; Idiopathic livedo reticularis with systemic involvement. Identifiers: Orphanet 820, MedGen C0282492, MONDO:0008436, OMIM 182410.
Deficiency of adenosine deaminase 2. Also called: Polyarteritis nodosa, childhoood-onset; Adenosine Deaminase 2 Deficiency; VASCULITIS, AUTOINFLAMMATION, IMMUNODEFICIENCY, AND HEMATOLOGIC DEFECTS SYNDROME. Identifiers: Orphanet 404553, MedGen C3887654, MONDO:0014306, OMIM 615688, MONDO:0100317.

Allele frequency attached by ClinVar (database versions not stated): ExAC 0.00001; gnomAD exomes 0.00002.
gnomAD v4.1: 17 of 1,612,712 alleles (0.0011%); highest among the groups gnomAD compares: East Asian, 0.0067%; no homozygotes.

Submissions (2):

Labcorp Genetics (formerly Invitae), Labcorp
Classification: Likely pathogenic for Deficiency of adenosine deaminase 2. Last evaluated: 2026-01-04. Review status: criteria provided, single submitter. Criteria: Invitae Variant Classification Sherloc (09022015). Collection method: clinical testing. Allele origin: germline.
Comment: This sequence change replaces arginine, which is basic and polar, with tryptophan, which is neutral and slightly polar, at codon 9 of the ADA2 protein (p.Arg9Trp). This variant is present in population databases (rs753994372, gnomAD 0.01%). This missense change has been observed in individual(s) with clinical features of DADA2 deficiency (PMID: 31008556). In at least one individual the data is consistent with being in trans (on the opposite chromosome) from a pathogenic variant. ClinVar contains an entry for this variant (Variation ID: 1442516). An algorithm developed to predict the effect of missense changes on protein structure and function outputs the following: PolyPhen-2: "Benign". The tryptophan amino acid residue is found in multiple mammalian species, which suggests that this missense change does not adversely affect protein function. Experimental studies have shown that this missense change affects ADA2 function (PMID: 34004258). In summary, the currently available evidence indicates that the variant is pathogenic, but additional data are needed to prove that conclusively. Therefore, this variant has been classified as Likely Pathogenic.

Fulgent Genetics
Classification: Uncertain significance for Sneddon syndrome; Deficiency of adenosine deaminase 2. Last evaluated: 2024-04-18. Review status: criteria provided, single submitter. Criteria: ACMG Guidelines, 2015. Collection method: clinical testing. Allele origin: germline.

Literature cited by the submitters: PubMed 31008556 (cited by Labcorp Genetics (formerly Invitae), Labcorp); PubMed 34004258 (cited by Labcorp Genetics (formerly Invitae), Labcorp).